The following is an entry in ClinVar:

NM_177438.3(DICER1):c.2117-1G>A

Gene: DICER1 (dicer 1, ribonuclease III; minus strand). Cytogenetic location: 14q32.13.
Variant type: single nucleotide variant.
Coding change: c.2117-1G>A on transcript NM_177438.3 (MANE Select); the canonical splice acceptor site of the intron before coding-DNA position 2117, G replaced by A.
Molecular consequence: splice acceptor variant.
Genome position (GRCh38, 1-based): chr14:95,111,457, C>T on the plus strand (G>A on the coding strand, the complement: DICER1 is on the minus strand). VCF-style: chr14-95111457-C-T. GRCh37 (hg19) VCF-style: chr14-95577794-C-T.
Other names: c.2117-1G>A (NM_001291628.2, NM_030621.4, NM_001395677.1 and 12 more transcripts); c.1712-1G>A (NM_001395690.1, NM_001395687.1, NM_001395689.1 and 3 more transcripts); c.1835-1G>A (NM_001395686.1); c.1550-1G>A (NM_001395691.1); c.434-1G>A (NM_001395697.1).
Identifiers: ClinVar variation 932975 (VCV000932975.3), dbSNP rs1891953932, ClinGen allele CA390882948.

ClinVar aggregate classification (germline): Pathogenic (1 of 4 stars; one submission).

Conditions:
DICER1-related tumor predisposition. Also called: DICER1-related pleuropulmonary blastoma cancer predisposition syndrome; DICER1 syndrome. Identifiers: Orphanet 284343, MedGen C3839822, MONDO:0100216.

Submission:

Foulkes Cancer Genetics LDI, Lady Davis Institute for Medical Research
Classification: Pathogenic for Pleuropulmonary blastoma. Last evaluated: 2019-07-01. Review status: criteria provided, single submitter. Criteria: ACMG Guidelines, 2015. Collection method: curation. Allele origin: germline. Affected: yes. Observed: 4 variant alleles.
Comment: ACMG criteria met: PVS1, PM2, PM7, PP1, PP4

Literature cited by the submitters: PubMed 21882293.